The following is an entry in ClinVar:

ClinVar aggregate classification (germline): Uncertain significance (1 of 4 stars; one submission).

Submission:

Labcorp Genetics (formerly Invitae), Labcorp
Classification: Uncertain significance. Last evaluated: 2024-12-15. Review status: criteria provided, single submitter. Criteria: Invitae Variant Classification Sherloc (09022015). Collection method: clinical testing. Allele origin: germline.
Comment: This variant, c.4162_4163insCTGTGACTGTCCCGGAGCCTCCTG, results in the insertion of 8 amino acid(s) of the SON protein (p.Ser1387_Val1388insAlaValThrValProGluProPro), but otherwise preserves the integrity of the reading frame. This variant is present in population databases (no rsID available, gnomAD 0.003%). This variant has not been reported in the literature in individuals affected with SON-related conditions. In summary, the available evidence is currently insufficient to determine the role of this variant in disease. Therefore, it has been classified as a Variant of Uncertain Significance.

NM_138927.4(SON):c.4162_4163insCTGTGACTGTCCCGGAGCCTCCTG (p.Ser1387_Val1388insAlaValThrValProGluProPro)

Gene: SON (SON DNA and RNA binding protein; plus strand). Cytogenetic location: 21q22.11.
Variant type: Insertion.
Coding change: c.4162_4163insCTGTGACTGTCCCGGAGCCTCCTG on transcript NM_138927.4 (MANE Select); coding-DNA positions 4162 to 4163, CTGTGACTGTCCCGGAGCCTCCTG inserted.
Protein change: p.Ser1387_Val1388insAlaValThrValProGluProPro.
Molecular consequence: inframe insertion. On other transcripts: non-coding transcript variant (1), intron variant (1).
Genome position: GRCh38 VCF-style: chr21-33553392-G-GGCTGTGACTGTCCCGGAGCCTCCT. GRCh37 (hg19) VCF-style: chr21-34925698-G-GGCTGTGACTGTCCCGGAGCCTCCT.
Other names: c.4162_4163insCTGTGACTGTCCCGGAGCCTCCTG, p.Ser1387_Val1388insAlaValThrValProGluProPro (NM_001291411.2, NM_032195.3); c.245-3763_245-3762insCTGTGACTGTCCCGGAGCCTCCTG (NM_001291412.3).
Identifiers: ClinVar variation 3605747 (VCV003605747.2).